The following is an entry in ClinVar:

ClinVar aggregate classification (germline): Likely benign. Review status: criteria provided, multiple submitters, no conflicts (2 of 4 stars). 2 submissions from 2 submitters: Likely benign (2). Last evaluated 2024-09-16.

Conditions:
Hereditary spastic paraplegia 7 (SPG7). Also called: SPG7-related neurologic disorder; Spastic paraplegia 7; Hereditary spastic paraplegia Paraplegin type; Autosomal recessive spastic paraplegia type 7; SPASTIC PARAPLEGIA 7, AUTOSOMAL RECESSIVE, WITH OR WITHOUT CEREBELLAR ATAXIA. Identifiers: Orphanet 99013, MedGen C1846564, MONDO:0011803, OMIM 607259.

Allele frequency attached by ClinVar (database versions not stated): gnomAD 0.00001; gnomAD exomes 0.00001; ExAC 0.00002; 1000 Genomes Project 30x 0.00016; 1000 Genomes Project 0.00020.
gnomAD v4.1: 22 of 1,611,206 alleles (0.0014%); highest among the groups gnomAD compares: Non-Finnish European, 0.0018%; no homozygotes.

Submissions (2):

Women's Health and Genetics/Laboratory Corporation of America, LabCorp
Classification: Likely benign. Last evaluated: 2024-09-16. Review status: criteria provided, single submitter. Criteria: LabCorp Variant Classification Summary - May 2015. Collection method: clinical testing. Allele origin: germline.
Comment: Variant summary: SPG7 c.1150+9T>A alters a non-conserved nucleotide located at a position not widely known to affect splicing. Consensus agreement among computation tools predict no significant impact on normal splicing. However, these predictions have yet to be confirmed by functional studies. The variant allele was found at a frequency of 8e-06 in 248834 control chromosomes. The available data on variant occurrences in the general population are insufficient to allow any conclusion about variant significance. To our knowledge, no occurrence of c.1150+9T>A in individuals affected with Hereditary Spastic Paraplegia 7 and no experimental evidence demonstrating its impact on protein function have been reported. ClinVar contains an entry for this variant (Variation ID: 2901289). Based on the evidence outlined above, the variant was classified as likely benign.

Labcorp Genetics (formerly Invitae), Labcorp
Classification: Likely benign for Hereditary spastic paraplegia 7. Last evaluated: 2023-06-02. Review status: criteria provided, single submitter. Criteria: Invitae Variant Classification Sherloc (09022015). Collection method: clinical testing. Allele origin: germline.

NM_003119.4(SPG7):c.1150+9T>A

Gene: SPG7 (SPG7 matrix AAA peptidase subunit, paraplegin; plus strand). Cytogenetic location: 16q24.3.
Variant type: single nucleotide variant.
Coding change: c.1150+9T>A on transcript NM_003119.4 (MANE Select); 9 bases into the intron after coding-DNA position 1150, T replaced by A.
Molecular consequence: intron variant.
Genome position (GRCh38, 1-based): chr16:89,532,075, T>A. VCF-style: chr16-89532075-T-A. GRCh37 (hg19) VCF-style: chr16-89598483-T-A.
Other names: c.1150+9T>A (NM_001363850.1, NM_199367.3).
Identifiers: ClinVar variation 2901289 (VCV002901289.4), dbSNP rs551113229, ClinGen allele CA8243948.